The following is an entry in ClinVar:

ClinVar aggregate classification (germline): Uncertain significance (1 of 4 stars; one submission).

Submission:

Women's Health and Genetics/Laboratory Corporation of America, LabCorp
Classification: Uncertain significance. Last evaluated: 2024-12-24. Review status: criteria provided, single submitter. Criteria: LabCorp Variant Classification Summary - May 2015. Collection method: clinical testing. Allele origin: germline.
Comment: Variant summary: SPTBN1 c.5595G>C (p.Glu1865Asp) results in a conservative amino acid change in the encoded protein sequence. Four of five in-silico tools predict a benign effect of the variant on protein function. The variant was absent in 248438 control chromosomes. The available data on variant occurrences in the general population are insufficient to allow any conclusion about variant significance. To our knowledge, no occurrence of c.5595G>C in individuals affected with Developmental Delay, Impaired Speech, And Behavioral Abnormalities and no experimental evidence demonstrating its impact on protein function have been reported. ClinVar contains an entry for this variant (Variation ID: 2637460). Based on the evidence outlined above, the variant was classified as uncertain significance.

NM_003128.3(SPTBN1):c.5595G>C (p.Glu1865Asp)

Gene: SPTBN1 (spectrin beta, non-erythrocytic 1; plus strand). Cytogenetic location: 2p16.2.
Variant type: single nucleotide variant.
Coding change: c.5595G>C on transcript NM_003128.3 (MANE Select); coding-DNA position 5595, G replaced by C.
Protein change: p.Glu1865Asp; replaces glutamic acid 1865 with aspartic acid.
Molecular consequence: missense variant.
Genome position (GRCh38, 1-based): chr2:54,653,626, G>C. VCF-style: chr2-54653626-G-C. GRCh37 (hg19) VCF-style: chr2-54880763-G-C.
Other names: c.5556G>C, p.Glu1852Asp (NM_178313.3); short protein forms E1852D, E1865D.
Identifiers: ClinVar variation 2637460 (VCV002637460.2), dbSNP rs2549567776, ClinGen allele CA346852877.